The following is an entry in ClinVar:

NM_016306.6(DNAJB11):c.831_849dup (p.Lys284fs)

Gene: DNAJB11 (DnaJ heat shock protein family (Hsp40) member B11; plus strand). Cytogenetic location: 3q27.3.
Variant type: Duplication.
Coding change: c.831_849dup on transcript NM_016306.6 (MANE Select); coding-DNA positions 831 to 849, 19 bases duplicated (TACTCACTTGGATGGTCAC).
Protein change: p.Lys284fs; shifts the reading frame from lysine 284.
Molecular consequence: frameshift variant. On other transcripts: non-coding transcript variant (5).
Genome position (GRCh38, 1-based): chr3:186,583,955-186,583,973, TACTCACTTGGATGGTCAC duplicated. VCF-style (leftmost placement, unchanged base first): chr3-186583954-T-TTACTCACTTGGATGGTCAC. GRCh37 (hg19) VCF-style: chr3-186301743-T-TTACTCACTTGGATGGTCAC.
Other names: c.555_573dup, p.Lys192fs (NM_001378451.1); short protein forms K192fs, K284fs.
Identifiers: ClinVar variation 4818743 (VCV004818743.1).
Genomic context (GRCh38, chr3:186,583,954, plus strand): 5'-ATTTGTACACAAATGTGACAATCTCATTAGTTGAGTCACTGGTTGGCTTTGAGATGGATA[T>TTACTCACTTGGATGGTCAC]TACTCACTTGGATGGTCACAAGGTAAACAAACCAATTTACTCGTTCTGCATCCTTTTGAA-3'

ClinVar aggregate classification (germline): Pathogenic (1 of 4 stars; one submission).

Conditions:
Autosomal dominant polycystic kidney disease. Identifiers: Orphanet 730, MedGen C0085413, MONDO:0004691.

Submission:

Mayo Translational Polycystic Kidney Disease Center, Mayo Clinic
Classification: Pathogenic for Autosomal dominant polycystic kidney disease. Last evaluated: 2026-01-30. Review status: criteria provided, single submitter. Criteria: ACMG Guidelines, 2015. Collection method: research. Allele origin: germline. Inheritance: Autosomal dominant inheritance. Affected: yes.
Comment: The c.831_849dup variant in the DNAJB11 gene results in a frameshift starting at codon 284, leading to a premature stop codon 14 amino acids downstream (p.Lys284TyrfsTer14). This alteration is predicted to produce a truncated protein and is consistent with loss of function, which is a known mechanism of disease for DNAJB11. Therefore, this variant meets the PVS1 criterion. The variant is absent from the gnomAD v4.1.0 population database, supporting PM2. Additionally, the variant has been identified in one individual who exhibited multiple bilateral kidney cysts, providing clinical correlation with the associated phenotype and supporting PP4 (PMID: 32631624). Given the established gene–disease relationship, the variant’s rarity, and its deleterious molecular consequence, this variant is best classified as pathogenic.

Literature cited by the submitters: PubMed 32631624.